The following is an entry in ClinVar:

NM_001370298.3(FGD4):c.*792A>T

Gene: FGD4 (FYVE, RhoGEF and PH domain containing 4; plus strand). Cytogenetic location: 12p11.21.
Variant type: single nucleotide variant.
Coding change: c.*792A>T on transcript NM_001370298.3 (MANE Select); 792 bases downstream of the stop codon, A replaced by T.
Molecular consequence: 3 prime UTR variant. On other transcripts: intron variant (3).
Genome position (GRCh38, 1-based): chr12:32,641,325, A>T. VCF-style: chr12-32641325-A-T. GRCh37 (hg19) VCF-style: chr12-32794259-A-T.
Other names: c.*792A>T (NM_001304481.2, NM_001304484.2, NM_001330373.2 and 5 more transcripts); c.2632+872A>T (NM_001384126.1); c.2221+872A>T (NM_001384127.1, NM_001384128.1).
Identifiers: ClinVar variation 308307 (VCV000308307.6), dbSNP rs140601094, ClinGen allele CA10632572.

ClinVar aggregate classification (germline): Benign. Review status: criteria provided, multiple submitters, no conflicts (2 of 4 stars). 2 submissions from 2 submitters: Benign (2). Last evaluated 2018-01-13.

Conditions:
Charcot-Marie-Tooth disease type 4H (CMT4H). Also called: CHARCOT-MARIE-TOOTH DISEASE, AUTOSOMAL RECESSIVE, TYPE 4H; CHARCOT-MARIE-TOOTH DISEASE, DEMYELINATING, AUTOSOMAL RECESSIVE, TYPE 4H; CHARCOT-MARIE-TOOTH NEUROPATHY, TYPE 4H; CHARCOT-MARIE-TOOTH DISEASE, DEMYELINATING, TYPE 4H. Identifiers: Orphanet 99954, MedGen C1836336, MONDO:0012250, OMIM 609311.

Allele frequency attached by ClinVar (database versions not stated): gnomAD 0.00932 and 0.00992; TOPMed 0.01000; 1000 Genomes Project 30x 0.02374; 1000 Genomes Project 0.02576.

Submissions (2):

Illumina Laboratory Services, Illumina
Classification: Benign for Charcot-Marie-Tooth disease type 4H. Last evaluated: 2018-01-13. Review status: criteria provided, single submitter. Criteria: ICSL Variant Classification Criteria 13 December 2019. Collection method: clinical testing. Allele origin: germline.
Comment: This variant was observed in the ICSL laboratory as part of a predisposition screen in an ostensibly healthy population. It had not been previously curated by ICSL or reported in the Human Gene Mutation Database (HGMD: prior to June 1st, 2018), and was therefore a candidate for classification through an automated scoring system. Utilizing variant allele frequency, disease prevalence and penetrance estimates, and inheritance mode, an automated score was calculated to assess if this variant is too frequent to cause the disease. Based on the score and internal cut-off values, a variant classified as benign is not then subjected to further curation. The score for this variant resulted in a classification of benign for this disease.

Breakthrough Genomics
Classification: Benign. Review status: criteria provided, single submitter. Criteria: ACMG Guidelines, 2015. Collection method: not provided. Allele origin: germline. Inheritance: Autosomal recessive inheritance. Affected: yes.